The following is an entry in ClinVar:

ClinVar aggregate classification (germline): Uncertain significance. Review status: criteria provided, multiple submitters, no conflicts (2 of 4 stars). 3 submissions from 3 submitters: Uncertain significance (3). Last evaluated 2024-11-21.

Conditions:
Poikiloderma with neutropenia (PN). Identifiers: Orphanet 221046, MedGen C1858723, MONDO:0011405, OMIM 604173.
Inborn genetic diseases. Identifiers: MedGen C0950123, MeSH D030342.

Allele frequency attached by ClinVar (database versions not stated): TOPMed below 0.00001; ExAC 0.00001; gnomAD 0.00001; gnomAD exomes 0.00001.
gnomAD v4.1: 13 of 1,614,026 alleles (0.00081%); highest among the groups gnomAD compares: Non-Finnish European, 0.001%; no homozygotes.

Submissions (3):

Ambry Genetics
Classification: Uncertain significance for Inborn genetic diseases. Last evaluated: 2024-11-21. Review status: criteria provided, single submitter. Criteria: Ambry Variant Classification Scheme 2023. Collection method: clinical testing. Allele origin: germline.
Comment: The p.P263L variant (also known as c.788C>T), located in coding exon 7 of the USB1 gene, results from a C to T substitution at nucleotide position 788. The proline at codon 263 is replaced by leucine, an amino acid with similar properties. This amino acid position is conserved. In addition, this alteration is predicted to be tolerated by in silico analysis. Based on the available evidence, the clinical significance of this variant remains unclear.

Blueprint Genetics
Classification: Uncertain significance. Last evaluated: 2024-08-08. Review status: criteria provided, single submitter. Criteria: ACMG Guidelines, 2015. Collection method: clinical testing. Allele origin: germline.

Fulgent Genetics
Classification: Uncertain significance for Poikiloderma with neutropenia. Last evaluated: 2024-05-05. Review status: criteria provided, single submitter. Criteria: ACMG Guidelines, 2015. Collection method: clinical testing. Allele origin: germline.

NM_024598.4(USB1):c.788C>T (p.Pro263Leu)

Gene: USB1 (U6 snRNA biogenesis phosphodiesterase 1; plus strand). Cytogenetic location: 16q21.
Variant type: single nucleotide variant.
Coding change: c.788C>T on transcript NM_024598.4 (MANE Select); coding-DNA position 788, C replaced by T.
Protein change: p.Pro263Leu; replaces proline 263 with leucine.
Molecular consequence: missense variant.
Genome position (GRCh38, 1-based): chr16:58,020,235, C>T. VCF-style: chr16-58020235-C-T. GRCh37 (hg19) VCF-style: chr16-58054139-C-T.
Other names: c.734C>T, p.Pro245Leu (NM_001195302.2); c.635C>T, p.Pro212Leu (NM_001330568.2); short protein forms P263L, P212L, P245L.
Identifiers: ClinVar variation 2483187 (VCV002483187.5), dbSNP rs773169264, ClinGen allele CA8085057.